The following is an entry in ClinVar:

NM_212482.4(FN1):c.4879A>G (p.Ile1627Val)

Gene: FN1 (fibronectin 1; minus strand). Cytogenetic location: 2q35.
Variant type: single nucleotide variant.
Coding change: c.4879A>G on transcript NM_212482.4 (MANE Select); coding-DNA position 4879, A replaced by G.
Protein change: p.Ile1627Val; replaces isoleucine 1627 with valine.
Molecular consequence: missense variant.
Genome position (GRCh38, 1-based): chr2:215,384,035, T>C on the plus strand (A>G on the coding strand, the complement: FN1 is on the minus strand). VCF-style: chr2-215384035-T-C. GRCh37 (hg19) VCF-style: chr2-216248758-T-C.
Other names: c.4879A>G, p.Ile1627Val (NM_001306129.2, NM_001306130.2, NM_001365517.2 and 3 more transcripts); c.4606A>G, p.Ile1536Val (NM_001306131.2, NM_001306132.2, NM_001365518.2 and 7 more transcripts); short protein forms I1536V, I1627V.
Identifiers: ClinVar variation 1470533 (VCV001470533.9), dbSNP rs370180533, ClinGen allele CA2094304.

ClinVar aggregate classification (germline): Uncertain significance. Review status: criteria provided, multiple submitters, no conflicts (2 of 4 stars). 2 submissions from 2 submitters: Uncertain significance (2). Last evaluated 2025-07-20.

Conditions:
Spondylometaphyseal dysplasia - Sutcliffe type. Also called: Spondylometaphyseal dysplasia, 'corner fracture' type; Spondylometaphyseal Dysplasia, Corner Fracture Type; Sutcliffe type of spondylometaphyseal dysplasia; Sutcliffe SMD. Identifiers: Orphanet 93315, MedGen C0432221, MONDO:0008479, OMIM 184255.
Glomerulopathy with fibronectin deposits 2 (GFND2). Identifiers: Orphanet 84090, MedGen C1866075, MONDO:0011165, OMIM 601894.

Allele frequency attached by ClinVar (database versions not stated): gnomAD exomes 0.00003 and 0.00005; ExAC 0.00004; gnomAD 0.00004; TOPMed 0.00006; ESP Exome Variant Server 0.00008.
gnomAD v4.1: 51 of 1,614,166 alleles (0.0032%); highest among the groups gnomAD compares: Admixed American, 0.0067%; no homozygotes.

Submissions (2):

Labcorp Genetics (formerly Invitae), Labcorp
Classification: Uncertain significance. Last evaluated: 2025-07-20. Review status: criteria provided, single submitter. Criteria: Invitae Variant Classification Sherloc (09022015). Collection method: clinical testing. Allele origin: germline.
Comment: This sequence change replaces isoleucine, which is neutral and non-polar, with valine, which is neutral and non-polar, at codon 1627 of the FN1 protein (p.Ile1627Val). This variant is present in population databases (rs370180533, gnomAD 0.009%), and has an allele count higher than expected for a pathogenic variant. This variant has not been reported in the literature in individuals affected with FN1-related conditions. ClinVar contains an entry for this variant (Variation ID: 1470533). An algorithm developed to predict the effect of missense changes on protein structure and function (PolyPhen-2) suggests that this variant is likely to be tolerated. In summary, the available evidence is currently insufficient to determine the role of this variant in disease. Therefore, it has been classified as a Variant of Uncertain Significance.

Fulgent Genetics
Classification: Uncertain significance for Spondylometaphyseal dysplasia - Sutcliffe type; Glomerulopathy with fibronectin deposits 2. Last evaluated: 2022-04-13. Review status: criteria provided, single submitter. Criteria: ACMG Guidelines, 2015. Collection method: clinical testing. Allele origin: unknown.